The following is an entry in ClinVar:

ClinVar aggregate classification (germline): Uncertain significance (1 of 4 stars; one submission).

Conditions:
POLD1-related polyposis and colorectal cancer syndrome (CRCS10). Also called: Colorectal cancer 10; COLORECTAL CANCER, SUSCEPTIBILITY TO, ON CHROMOSOME 19q; Colorectal cancer, susceptibility to, 10. Identifiers: Orphanet 220460, MedGen C2675481, MONDO:0012953, OMIM 612591.

Submission:

Labcorp Genetics (formerly Invitae), Labcorp
Classification: Uncertain significance for POLD1-related polyposis and colorectal cancer syndrome. Last evaluated: 2024-01-31. Review status: criteria provided, single submitter. Criteria: Invitae Variant Classification Sherloc (09022015). Collection method: clinical testing. Allele origin: germline.
Comment: This sequence change replaces alanine, which is neutral and non-polar, with threonine, which is neutral and polar, at codon 189 of the POLD1 protein (p.Ala189Thr). This variant is not present in population databases (gnomAD no frequency). This variant has not been reported in the literature in individuals affected with POLD1-related conditions. Advanced modeling of protein sequence and biophysical properties (such as structural, functional, and spatial information, amino acid conservation, physicochemical variation, residue mobility, and thermodynamic stability) performed at Invitae indicates that this missense variant is not expected to disrupt POLD1 protein function with a negative predictive value of 80%. In summary, the available evidence is currently insufficient to determine the role of this variant in disease. Therefore, it has been classified as a Variant of Uncertain Significance.

NM_002691.4(POLD1):c.565G>A (p.Ala189Thr)

Gene: POLD1 (DNA polymerase delta 1, catalytic subunit; plus strand). Cytogenetic location: 19q13.33.
Variant type: single nucleotide variant.
Coding change: c.565G>A on transcript NM_002691.4 (MANE Select); coding-DNA position 565, G replaced by A.
Protein change: p.Ala189Thr; replaces alanine 189 with threonine.
Molecular consequence: missense variant. On other transcripts: non-coding transcript variant (1).
Genome position (GRCh38, 1-based): chr19:50,402,100, G>A. VCF-style: chr19-50402100-G-A. GRCh37 (hg19) VCF-style: chr19-50905357-G-A.
Other names: c.565G>A, p.Ala189Thr (NM_001256849.1, NM_001308632.1); short protein forms A189T.
Identifiers: ClinVar variation 3706786 (VCV003706786.2).